The following is an entry in ClinVar:

NM_002951.5(RPN2):c.1628A>G (p.Asn543Ser)

Gene: RPN2 (ribophorin II; plus strand). Cytogenetic location: 20q11.23.
Variant type: single nucleotide variant.
Coding change: c.1628A>G on transcript NM_002951.5 (MANE Select); coding-DNA position 1628, A replaced by G.
Protein change: p.Asn543Ser; replaces asparagine 543 with serine.
Molecular consequence: missense variant. On other transcripts: intron variant (2).
Genome position (GRCh38, 1-based): chr20:37,232,342, A>G. VCF-style: chr20-37232342-A-G. GRCh37 (hg19) VCF-style: chr20-35860745-A-G.
Other names: c.1532A>G, p.Asn511Ser (NM_001135771.3); c.1676A>G, p.Asn559Ser (NM_001324301.2, NM_001324305.2); c.1628A>G, p.Asn543Ser (NM_001324303.2, NM_001324304.2); c.1157A>G, p.Asn386Ser (NM_001324306.2); c.1582-1678A>G (NM_001324299.2, NM_001324302.2); c.1628A>G (NM_002951.3); short protein forms N386S, N543S, N559S, N511S.
Identifiers: ClinVar variation 2058536 (VCV002058536.6), dbSNP rs372530860, ClinGen allele CA9847254.

ClinVar aggregate classification (germline): Uncertain significance. Review status: criteria provided, multiple submitters, no conflicts (2 of 4 stars). 2 submissions from 2 submitters: Uncertain significance (2). Last evaluated 2025-02-24.

Conditions:
Congenital disorder of glycosylation (CDG). Also called: Congenital disorders of glycosylation; Carbohydrate-deficient glycoprotein syndrome. Identifiers: Orphanet 137, MedGen C0282577, MONDO:0015286.

Allele frequency attached by ClinVar (database versions not stated): gnomAD 0.00001; ExAC 0.00002; gnomAD exomes 0.00003; TOPMed 0.00003; ESP Exome Variant Server 0.00008.
gnomAD v4.1: 48 of 1,614,058 alleles (0.003%); highest among the groups gnomAD compares: Middle Eastern, 0.033%; no homozygotes.

Submissions (2):

Labcorp Genetics (formerly Invitae), Labcorp
Classification: Uncertain significance for Congenital disorder of glycosylation. Last evaluated: 2025-02-24. Review status: criteria provided, single submitter. Criteria: Invitae Variant Classification Sherloc (09022015). Collection method: clinical testing. Allele origin: germline.
Comment: This sequence change replaces asparagine, which is neutral and polar, with serine, which is neutral and polar, at codon 543 of the RPN2 protein (p.Asn543Ser). This variant is present in population databases (rs372530860, gnomAD 0.007%). This variant has not been reported in the literature in individuals affected with RPN2-related conditions. ClinVar contains an entry for this variant (Variation ID: 2058536). An algorithm developed to predict the effect of missense changes on protein structure and function (PolyPhen-2) suggests that this variant is likely to be disruptive. In summary, the available evidence is currently insufficient to determine the role of this variant in disease. Therefore, it has been classified as a Variant of Uncertain Significance.

Ambry Genetics
Classification: Uncertain significance. Last evaluated: 2023-09-13. Review status: criteria provided, single submitter. Criteria: Ambry Variant Classification Scheme 2023. Collection method: clinical testing. Allele origin: germline.